The following is an entry in ClinVar:

ClinVar aggregate classification (germline): Uncertain significance. Review status: criteria provided, multiple submitters, no conflicts (2 of 4 stars). 3 submissions from 3 submitters: Uncertain significance (3). Last evaluated 2024-07-24.

Conditions:
Hereditary cancer-predisposing syndrome. Also called: Neoplastic Syndromes, Hereditary; Tumor predisposition; Hereditary Cancer Syndrome; Hereditary neoplastic syndrome. Identifiers: Orphanet 140162, MedGen C0027672, MeSH D009386, MONDO:0015356.

Allele frequency attached by ClinVar (database versions not stated): gnomAD exomes below 0.00001 and 0.00001; TOPMed below 0.00001; ExAC 0.00001.

Submissions (3):

Labcorp Genetics (formerly Invitae), Labcorp
Classification: Uncertain significance. Last evaluated: 2024-07-24. Review status: criteria provided, single submitter. Criteria: Invitae Variant Classification Sherloc (09022015). Collection method: clinical testing. Allele origin: germline.
Comment: This sequence change replaces methionine, which is neutral and non-polar, with threonine, which is neutral and polar, at codon 182 of the HOXB13 protein (p.Met182Thr). This variant is present in population databases (rs772349818, gnomAD 0.0009%). This variant has not been reported in the literature in individuals affected with HOXB13-related conditions. ClinVar contains an entry for this variant (Variation ID: 483504). Advanced modeling of protein sequence and biophysical properties (such as structural, functional, and spatial information, amino acid conservation, physicochemical variation, residue mobility, and thermodynamic stability) performed at Invitae indicates that this missense variant is not expected to disrupt HOXB13 protein function with a negative predictive value of 80%. In summary, the available evidence is currently insufficient to determine the role of this variant in disease. Therefore, it has been classified as a Variant of Uncertain Significance.

Ambry Genetics
Classification: Uncertain significance for Hereditary cancer-predisposing syndrome. Last evaluated: 2023-10-26. Review status: criteria provided, single submitter. Criteria: Ambry Variant Classification Scheme 2023. Collection method: clinical testing. Allele origin: germline.
Comment: The p.M182T variant (also known as c.545T>C), located in coding exon 1 of the HOXB13 gene, results from a T to C substitution at nucleotide position 545. The methionine at codon 182 is replaced by threonine, an amino acid with similar properties. One study found that this alteration was predicted to be deleterious by multiple in silico prediction models (Chandrasekaran G et al. Sci Rep, 2017 Mar;7:43830). This amino acid position is highly conserved in available vertebrate species. In addition, this alteration is predicted to be deleterious by in silico analysis. Since supporting evidence is limited at this time, the clinical significance of this alteration remains unclear.

GeneDx
Classification: Uncertain significance. Last evaluated: 2023-06-02. Review status: criteria provided, single submitter. Criteria: GeneDx Variant Classification Process June 2021. Collection method: clinical testing. Allele origin: germline. Affected: yes.
Comment: Not observed at significant frequency in large population cohorts (gnomAD); In silico analysis supports that this missense variant has a deleterious effect on protein structure/function; Has not been previously published as pathogenic or benign to our knowledge; This variant is associated with the following publications: (PMID: 28272408, 19389631)

Literature cited by the submitters: PubMed 28272408 (cited by Ambry Genetics).

NM_006361.6(HOXB13):c.545T>C (p.Met182Thr)

Gene: HOXB13 (homeobox B13; minus strand). Cytogenetic location: 17q21.32.
Variant type: single nucleotide variant.
Coding change: c.545T>C on transcript NM_006361.6 (MANE Select); coding-DNA position 545, T replaced by C.
Protein change: p.Met182Thr; replaces methionine 182 with threonine.
Molecular consequence: missense variant.
Genome position (GRCh38, 1-based): chr17:48,728,049, A>G on the plus strand (T>C on the coding strand, the complement: HOXB13 is on the minus strand). VCF-style: chr17-48728049-A-G. GRCh37 (hg19) VCF-style: chr17-46805411-A-G.
Other names: short protein forms M182T.
Identifiers: ClinVar variation 483504 (VCV000483504.15), dbSNP rs772349818, ClinGen allele CA8633971.